The following is an entry in ClinVar:

ClinVar aggregate classification (germline): Uncertain significance (1 of 4 stars; one submission).

gnomAD v4.1: 2 of 1,204,026 alleles (0.00017%); highest among the groups gnomAD compares: African/African-American, 0.0017%; no homozygotes.

Submission:

Labcorp Genetics (formerly Invitae), Labcorp
Classification: Uncertain significance. Last evaluated: 2021-10-22. Review status: criteria provided, single submitter. Criteria: Invitae Variant Classification Sherloc (09022015). Collection method: clinical testing. Allele origin: germline.
Comment: This sequence change replaces leucine with phenylalanine at codon 28 of the PAK3 protein (p.Leu28Phe). The leucine residue is moderately conserved and there is a small physicochemical difference between leucine and phenylalanine. This variant is not present in population databases (ExAC no frequency). This variant has not been reported in the literature in individuals affected with PAK3-related conditions. Algorithms developed to predict the effect of missense changes on protein structure and function are either unavailable or do not agree on the potential impact of this missense change (SIFT: "Not Available"; PolyPhen-2: "Benign"; Align-GVGD: "Not Available"). In summary, the available evidence is currently insufficient to determine the role of this variant in disease. Therefore, it has been classified as a Variant of Uncertain Significance.

NM_002578.5(PAK3):c.82C>T (p.Leu28Phe)

Gene: PAK3 (p21 (RAC1) activated kinase 3; plus strand). Cytogenetic location: Xq23.
Variant type: single nucleotide variant.
Coding change: c.82C>T on transcript NM_002578.5 (MANE Select); coding-DNA position 82, C replaced by T.
Protein change: p.Leu28Phe; replaces leucine 28 with phenylalanine.
Molecular consequence: missense variant. On other transcripts: non-coding transcript variant (9).
Genome position (GRCh38, 1-based): chrX:111,123,185, C>T. VCF-style: chrX-111123185-C-T. GRCh37 (hg19) VCF-style: chrX-110366413-C-T.
Other names: c.82C>T, p.Leu28Phe (NM_001128166.3, NM_001128167.3, NM_001128168.3 and 12 more transcripts); short protein forms L28F.
Identifiers: ClinVar variation 1483458 (VCV001483458.6), dbSNP rs2149002878, ClinGen allele CA414238953.